The following is an entry in ClinVar:

ClinVar aggregate classification (germline): Conflicting classifications of pathogenicity. Review status: criteria provided, conflicting classifications (1 of 4 stars). 10 submissions from 10 submitters: Uncertain significance (2); Likely benign (7). 1 of the submissions does not count toward it. Last evaluated 2026-07-01.

Conditions:
Glycogen storage disease, type II (IOPD). Also called: Glucosidase acid-1,4-alpha deficiency; Pompe Disease; POMPE DISEASE, INFANTILE-ONSET; GLYCOGEN STORAGE DISEASE II, INFANTILE-ONSET; ACID ALPHA-GLUCOSIDASE DEFICIENCY, INFANTILE-ONSET; GAA DEFICIENCY, INFANTILE-ONSET. Identifiers: Orphanet 365, MedGen C0017921, MONDO:0009290, OMIM 232300.
Cardiovascular phenotype. Identifiers: MedGen CN230736.

Allele frequency attached by ClinVar (database versions not stated): gnomAD exomes 0.00009; gnomAD 0.00014 and 0.00015; 1000 Genomes Project 30x 0.00016; ExAC 0.00019; 1000 Genomes Project 0.00020; TOPMed 0.00023.
gnomAD v4.1: 93 of 1,600,714 alleles (0.0058%); highest among the groups gnomAD compares: Admixed American, 0.031%; no homozygotes.

Submissions (10):

CeGaT Center for Human Genetics Tuebingen
Classification: Likely benign. Last evaluated: 2026-07-01. Review status: criteria provided, single submitter. Criteria: CeGaT Center For Human Genetics Tuebingen Variant Classification Criteria Version 2. Collection method: clinical testing. Allele origin: germline. Affected: yes. Observed: 5 variant alleles.
Comment: GAA: BP4, BP7

Labcorp Genetics (formerly Invitae), Labcorp
Classification: Likely benign for Glycogen storage disease, type II. Last evaluated: 2026-01-20. Review status: criteria provided, single submitter. Criteria: Invitae Variant Classification Sherloc (09022015). Collection method: clinical testing. Allele origin: germline.

Blueprint Genetics
Classification: Likely benign. Last evaluated: 2024-11-21. Review status: criteria provided, single submitter. Criteria: ACMG Guidelines, 2015. Collection method: clinical testing. Allele origin: germline.

Ambry Genetics
Classification: Likely benign for Cardiovascular phenotype. Last evaluated: 2022-06-06. Review status: criteria provided, single submitter. Criteria: Ambry Variant Classification Scheme 2023. Collection method: clinical testing. Allele origin: germline.

Genome-Nilou Lab
Classification: Likely benign for Glycogen storage disease, type II. Last evaluated: 2021-07-22. Review status: criteria provided, single submitter. Criteria: ACMG Guidelines, 2015. Collection method: clinical testing. Allele origin: germline. Affected: no.

Broad Center for Mendelian Genomics, Broad Institute of MIT and Harvard
Classification: Likely benign for Glycogen storage disease, type II. Last evaluated: 2020-01-22. Review status: criteria provided, single submitter. Criteria: ACMG Guidelines, 2015. Collection method: curation. Allele origin: germline. Inheritance: Autosomal recessive inheritance.
Comment: The c.2052G>A (p.Pro684=) variant in GAA has not been previously reported in individuals with Glycogen Storage Disease II but has been reported as a VUS by EGL Genetic Diagnostics and a likely benign variant by Invitae and GeneDx in ClinVar (Variation ID: 387758). This variant has been identified in 0.015% (5/33352) of Latino chromosomes and 0.013% (3/22566) of African chromosomes by the Genome Aggregation Database (gnomAD; dbSNP rs546463058). Although this variant has been seen in the general population, its frequency is low enough to be consistent with a recessive carrier frequency. Computational prediction tools and conservation analyses suggest that this variant may not impact the protein, though this information is not predictive enough to rule out pathogenicity. However, novel synonymous variants supported by computational evidence without raised suspicion for an impact are likely benign (Richards 2015). In summary, although additional studies are required to fully establish its clinical significance, this variant is likely benign. ACMG/AMP Criteria applied: PM2, BP4, BP7 (Richards 2015).

Revvity Omics, Revvity
Classification: Uncertain significance. Last evaluated: 2019-07-15. Review status: criteria provided, single submitter. Criteria: ACMG Guidelines, 2015. Collection method: clinical testing. Allele origin: germline.

Eurofins Ntd Llc (ga)
Classification: Uncertain significance. Last evaluated: 2016-10-26. Review status: criteria provided, single submitter. Criteria: EGL Classification Definitions 2015. Collection method: clinical testing. Allele origin: germline. Observed: 2 variant alleles, 2 heterozygotes.

GeneDx
Classification: Likely benign. Last evaluated: 2016-07-29. Review status: criteria provided, single submitter. Criteria: GeneDx Variant Classification (06012015). Collection method: clinical testing. Allele origin: germline. Affected: yes.
Comment: This variant is considered likely benign or benign based on one or more of the following criteria: it is a conservative change, it occurs at a poorly conserved position in the protein, it is predicted to be benign by multiple in silico algorithms, and/or has population frequency not consistent with disease.

Natera, Inc.
Classification: Likely benign for Glycogen storage disease type II. Last evaluated: 2020-06-18. Review status: no assertion criteria provided. Collection method: clinical testing. Allele origin: germline. Not counted in ClinVar's aggregate classification.

NM_000152.5(GAA):c.2052G>A (p.Pro684=)

Gene: GAA (alpha glucosidase; plus strand). Cytogenetic location: 17q25.3.
Variant type: single nucleotide variant.
Coding change: c.2052G>A on transcript NM_000152.5 (MANE Select); coding-DNA position 2052, G replaced by A.
Protein change: p.Pro684=; no amino-acid change (proline 684 retained).
Molecular consequence: synonymous variant.
Genome position (GRCh38, 1-based): chr17:80,113,229, G>A. VCF-style: chr17-80113229-G-A. GRCh37 (hg19) VCF-style: chr17-78087028-G-A.
Other names: c.2052G>A, p.Pro684= (NM_001079803.3, NM_001079804.3); c.2052G>A (LRG_673t1).
Identifiers: ClinVar variation 387758 (VCV000387758.56), dbSNP rs546463058, ClinGen allele CA8815600.